The following is an entry in ClinVar:

ClinVar aggregate classification (germline): Likely benign. Review status: criteria provided, multiple submitters, no conflicts (2 of 4 stars). 2 submissions from 2 submitters: Likely benign (2). Last evaluated 2018-06-16.

Allele frequency attached by ClinVar (database versions not stated): 1000 Genomes Project 0.00359; 1000 Genomes Project 30x 0.00359; gnomAD 0.01123 and 0.01149; TOPMed 0.01138; gnomAD exomes 0.01525.
gnomAD v4.1: 21,388 of 1,448,218 alleles (1.5%); highest among the groups gnomAD compares: Middle Eastern, 1.8%; 207 homozygotes.

Submissions (2):

GeneDx
Classification: Likely benign. Last evaluated: 2018-06-16. Review status: criteria provided, single submitter. Criteria: GeneDx Variant Classification (06012015). Collection method: clinical testing. Allele origin: germline. Affected: yes.
Comment: This variant is considered likely benign or benign based on one or more of the following criteria: it is a conservative change, it occurs at a poorly conserved position in the protein, it is predicted to be benign by multiple in silico algorithms, and/or has population frequency not consistent with disease.

Breakthrough Genomics
Classification: Likely benign. Review status: criteria provided, single submitter. Criteria: ACMG Guidelines, 2015. Collection method: not provided. Allele origin: germline. Inheritance: Autosomal dominant inheritance. Affected: yes.

NM_001103.4(ACTN2):c.1255+95C>T

Gene: ACTN2 (actinin alpha 2; plus strand). Cytogenetic location: 1q43.
Variant type: single nucleotide variant.
Coding change: c.1255+95C>T on transcript NM_001103.4 (MANE Select); 95 bases into the intron after coding-DNA position 1255, C replaced by T.
Molecular consequence: intron variant.
Genome position (GRCh38, 1-based): chr1:236,743,138, C>T. VCF-style: chr1-236743138-C-T. GRCh37 (hg19) VCF-style: chr1-236906438-C-T.
Other names: c.631+95C>T (NM_001278344.2); c.1255+95C>T (NM_001278343.2).
Identifiers: ClinVar variation 675548 (VCV000675548.2), dbSNP rs78951895, ClinGen allele CA10861455.